The following is an entry in ClinVar:

ClinVar aggregate classification (germline): Uncertain significance (1 of 4 stars; one submission).

Allele frequency attached by ClinVar (database versions not stated): gnomAD 0.00001 and 0.00002; gnomAD exomes 0.00001 and 0.00002; ExAC 0.00002.

Submission:

Labcorp Genetics (formerly Invitae), Labcorp
Classification: Uncertain significance. Last evaluated: 2021-07-14. Review status: criteria provided, single submitter. Criteria: Invitae Variant Classification Sherloc (09022015). Collection method: clinical testing. Allele origin: germline.
Comment: This sequence change replaces arginine with cysteine at codon 204 of the MCM5 protein (p.Arg204Cys). The arginine residue is moderately conserved and there is a large physicochemical difference between arginine and cysteine. This variant is present in population databases (rs749878879, ExAC 0.01%). This variant has not been reported in the literature in individuals affected with MCM5-related conditions. Algorithms developed to predict the effect of missense changes on protein structure and function are either unavailable or do not agree on the potential impact of this missense change (SIFT: "Deleterious"; PolyPhen-2: "Possibly Damaging"; Align-GVGD: "Class C0"). In summary, the available evidence is currently insufficient to determine the role of this variant in disease. Therefore, it has been classified as a Variant of Uncertain Significance.

NM_006739.4(MCM5):c.610C>T (p.Arg204Cys)

Gene: MCM5 (minichromosome maintenance complex component 5; plus strand). Cytogenetic location: 22q12.3.
Variant type: single nucleotide variant.
Coding change: c.610C>T on transcript NM_006739.4 (MANE Select); coding-DNA position 610, C replaced by T.
Protein change: p.Arg204Cys; replaces arginine 204 with cysteine.
Molecular consequence: missense variant.
Genome position (GRCh38, 1-based): chr22:35,408,421, C>T. VCF-style: chr22-35408421-C-T. GRCh37 (hg19) VCF-style: chr22-35804414-C-T.
Other names: short protein forms R204C.
Identifiers: ClinVar variation 1477219 (VCV001477219.8), dbSNP rs749878879, ClinGen allele CA10205092.
Genomic context (GRCh38, chr22:35,408,421, plus strand): 5'-GGATTCTCCAGGTAGCTTTGGTGACTCTTTTCCCTTACCTTGTACAGAGATCAGGCTGGG[C>T]GCCCCAAATGCCCATTGGACCCGTACTTCATCATGCCCGACAAATGCAAATGCGTGGACT-3'
Protein context (NP_006730.2, residues 194-214): PRKCNTDQAG[Arg204Cys]PKCPLDPYFI